The following is an entry in ClinVar:

NM_006767.4(LZTR1):c.2232G>A (p.Ala744=)

Gene: LZTR1 (leucine zipper like post translational regulator 1; plus strand). Cytogenetic location: 22q11.21.
Variant type: single nucleotide variant.
Coding change: c.2232G>A on transcript NM_006767.4 (MANE Select); coding-DNA position 2232, G replaced by A.
Protein change: p.Ala744=; no amino-acid change (alanine 744 retained).
Molecular consequence: synonymous variant.
Genome position (GRCh38, 1-based): chr22:20,996,708, G>A. VCF-style: chr22-20996708-G-A. GRCh37 (hg19) VCF-style: chr22-21350997-G-A.
Identifiers: ClinVar variation 809334 (VCV000809334.48), dbSNP rs139261473, ClinGen allele CA10119308.

ClinVar aggregate classification (germline): Conflicting classifications of pathogenicity. Review status: criteria provided, conflicting classifications (1 of 4 stars). 9 submissions from 9 submitters: Uncertain significance (8); Likely benign (1). Last evaluated 2026-09-01.

Conditions:
Hereditary cancer-predisposing syndrome. Also called: Hereditary Cancer Syndrome; Tumor predisposition; Neoplastic Syndromes, Hereditary; Hereditary neoplastic syndrome. Identifiers: Orphanet 140162, MedGen C0027672, MeSH D009386, MONDO:0015356.
Cardiovascular phenotype. Identifiers: MedGen CN230736.
Noonan syndrome 2 (NS2). Identifiers: Orphanet 648, MedGen C1854469, MONDO:0011531, OMIM 605275.
Noonan syndrome 10 (NS10). Identifiers: Orphanet 648, MedGen C4225280, MONDO:0014693, OMIM 616564.
LZTR1-related schwannomatosis. Also called: Schwannomatosis 2; Schwannomatosis-2, susceptibility to. Identifiers: Orphanet 93921, MedGen C3810283, MONDO:0014299, OMIM 615670.

Allele frequency attached by ClinVar (database versions not stated): TOPMed 0.00005; gnomAD 0.00006; ExAC 0.00007; ESP Exome Variant Server 0.00008.
gnomAD v4.1: 102 of 1,613,380 alleles (0.0063%); highest among the groups gnomAD compares: Middle Eastern, 0.033%; no homozygotes.

Submissions (9):

CeGaT Center for Human Genetics Tuebingen
Classification: Uncertain significance. Last evaluated: 2026-09-01. Review status: criteria provided, single submitter. Criteria: CeGaT Center For Human Genetics Tuebingen Variant Classification Criteria Version 2. Collection method: clinical testing. Allele origin: germline. Affected: yes. Observed: 4 variant alleles.
Comment: LZTR1: PP3

Labcorp Genetics (formerly Invitae), Labcorp
Classification: Uncertain significance. Last evaluated: 2026-01-27. Review status: criteria provided, single submitter. Criteria: Invitae Variant Classification Sherloc (09022015). Collection method: clinical testing. Allele origin: germline.
Comment: This sequence change affects codon 744 of the LZTR1 mRNA. It is a 'silent' change, meaning that it does not change the encoded amino acid sequence of the LZTR1 protein. This variant is present in population databases (rs139261473, gnomAD 0.02%). This variant has not been reported in the literature in individuals affected with LZTR1-related conditions. ClinVar contains an entry for this variant (Variation ID: 809334). Algorithms developed to predict the effect of sequence changes on RNA splicing suggest that this variant may disrupt the consensus splice site. In summary, the available evidence is currently insufficient to determine the role of this variant in disease. Therefore, it has been classified as a Variant of Uncertain Significance.

Clinical Genomics Laboratory, Washington University in St. Louis
Classification: Uncertain significance for Noonan syndrome 10; Noonan syndrome 2. Last evaluated: 2026-01-26. Review status: criteria provided, single submitter. Criteria: ACMG Guidelines, 2015. Collection method: clinical testing. Allele origin: germline.
Comment: An LZTR1 c.2232G>A (p.Ala744=) variant was identified at a near heterozygous allelic fraction of 48.8%, a frequency which may be consistent with it being of germline origin. This variant, to our knowledge has not been reported in the literature in individuals with LZTR1-related disease. It has been reported in the ClinVar database as a germline variant of uncertain significance by seven submitters (ClinVar Variation ID: 809334). Computational predictors indicate that this variant would alter splicing, evidence that correlates to an impact of this variant LZTR1 function. In support of this prediction, RNA studies performed on this variant show aberrant splicing/spliceosome switch in a subset of individuals heterozygous for this variant. The study also found that individuals heterozygous for this variant and heterozygous for a common polymorphism in LZTR1 (c.2219+60A>G) all fell into the high PSI (percent spliced in) group. However, given the incomplete nature of the aberrant splice event resulting from the spliceosome switch, the clinical relevance of this spliceosome switch is still unclear (Zimmermann H et al., PMID: 41300834). Due to limited information, and based on ACMG/AMP guidelines for variant interpretation (Richards S et al., PMID: 25741868), the clinical significance of this variant is uncertain at this time.

Ambry Genetics
Classification: Uncertain significance for Cardiovascular phenotype; Hereditary cancer-predisposing syndrome. Last evaluated: 2025-03-29. Review status: criteria provided, single submitter. Criteria: Ambry Variant Classification Scheme 2023. Collection method: clinical testing. Allele origin: germline.
Comment: The c.2232G>A variant (also known as p.A744A), located in coding exon 19 of the LZTR1 gene, results from a G to A substitution at nucleotide position 2232. This nucleotide substitution does not change the alanine at codon 744. This nucleotide position is poorly conserved in available vertebrate species. In silico splice site analysis predicts that this alteration will result in the creation or strengthening of a novel splice acceptor site; however, direct evidence is insufficient at this time (Ambry internal data). Based on the available evidence, the clinical significance of this alteration remains unclear.

Women's Health and Genetics/Laboratory Corporation of America, LabCorp
Classification: Uncertain significance. Last evaluated: 2025-02-24. Review status: criteria provided, single submitter. Criteria: LabCorp Variant Classification Summary - May 2015. Collection method: clinical testing. Allele origin: germline.
Comment: Variant summary: LZTR1 c.2232G>A alters a non-conserved nucleotide resulting in a synonymous change. Several computational tools predict a significant impact on normal splicing: One predict the variant strengthens a cryptic 5' donor site. Three predict the variant creates a 3' acceptor site. However, these predictions have yet to be confirmed by functional studies. The variant allele was found at a frequency of 8e-05 in 251220 control chromosomes. This frequency is not significantly higher than estimated for a pathogenic variant in LZTR1 causing Noonan Syndrome 2 (8e-05 vs 0.0032), allowing no conclusion about variant significance. To our knowledge, no occurrence of c.2232G>A in individuals affected with LZTR1-related conditions and no experimental evidence demonstrating its impact on protein function have been reported. ClinVar contains an entry for this variant (Variation ID: 809334). Based on the evidence outlined above, the variant was classified as uncertain significance.

Blueprint Genetics
Classification: Likely benign. Last evaluated: 2024-11-28. Review status: criteria provided, single submitter. Criteria: ACMG Guidelines, 2015. Collection method: clinical testing. Allele origin: germline.

Baylor Genetics
Classification: Uncertain significance for LZTR1-related schwannomatosis. Last evaluated: 2024-03-09. Review status: criteria provided, single submitter. Criteria: ACMG Guidelines, 2015. Collection method: clinical testing. Allele origin: unknown.

ARUP Laboratories, Molecular Genetics and Genomics, ARUP Laboratories
Classification: Uncertain significance. Last evaluated: 2022-10-20. Review status: criteria provided, single submitter. Criteria: ARUP Molecular Germline Variant Investigation Process 2021. Collection method: clinical testing. Allele origin: germline.
Comment: The LZTR1 c.2232G>A; p.Ala744Ala variant (rs139261473), to our knowledge, is not reported in the medical literature or gene specific databases. This variant is reported in ClinVar (Variation ID: 809334) and is found in the general population with an overall allele frequency of 0.0078% (22/282,566 alleles) in the Genome Aggregation Database. This is a synonymous variant in a weakly conserved nucleotide, but computational analyses (Alamut v.2.11) predict that this variant may impact splicing by creating a novel cryptic acceptor splice site. However, the splicing impact of this variant would need to be determined by functional studies. Given the lack of clinical and functional data, the significance of the p.Ala744Ala variant is uncertain at this time.

GeneDx
Classification: Uncertain significance. Last evaluated: 2022-09-15. Review status: criteria provided, single submitter. Criteria: GeneDx Variant Classification Process June 2021. Collection method: clinical testing. Allele origin: germline. Affected: yes.
Comment: In silico analysis supports a deleterious effect on splicing; Has not been previously published as pathogenic or benign to our knowledge

Literature cited by the submitters: uncertain (cited by Clinical Genomics Laboratory, Washington University in St. Louis).